The following is an entry in ClinVar:

ClinVar aggregate classification (germline): Uncertain significance. Review status: criteria provided, multiple submitters, no conflicts (2 of 4 stars). 6 submissions from 6 submitters: Uncertain significance (6). Last evaluated 2025-12-09.

Conditions:
Hereditary cancer-predisposing syndrome. Also called: Hereditary neoplastic syndrome; Tumor predisposition; Neoplastic Syndromes, Hereditary; Hereditary Cancer Syndrome. Identifiers: Orphanet 140162, MedGen C0027672, MeSH D009386, MONDO:0015356.
Hereditary breast ovarian cancer syndrome. Also called: Hereditary breast and ovarian cancer; Breast and ovarian cancer; BRCA1- and BRCA2-Associated Hereditary Breast and Ovarian Cancer; Hereditary breast and/or ovarian cancer syndrome; Hereditary breast and ovarian cancer syndrome (HBOC); Hereditary breast and ovarian cancer syndrome. Identifiers: Orphanet 145, MedGen C0677776, MeSH D061325, MONDO:0003582. Disease mechanism: loss of function.
Breast-ovarian cancer, familial, susceptibility to, 2 (BROVCA2). Also called: BRCA2 Hereditary Breast and Ovarian Cancer. Identifiers: Orphanet 145, MedGen C2675520, MONDO:0012933, OMIM 612555. Disease mechanism: loss of function.

Allele frequency attached by ClinVar (database versions not stated): gnomAD exomes below 0.00001; TOPMed below 0.00001; gnomAD 0.00001.
gnomAD v4.1: 2 of 1,612,166 alleles (0.00012%); highest among the groups gnomAD compares: Non-Finnish European, 0.00017%; no homozygotes.

Submissions (6):

Labcorp Genetics (formerly Invitae), Labcorp
Classification: Uncertain significance for Hereditary breast ovarian cancer syndrome. Last evaluated: 2025-12-09. Review status: criteria provided, single submitter. Criteria: Invitae Variant Classification Sherloc (09022015). Collection method: clinical testing. Allele origin: germline.
Comment: This sequence change replaces leucine, which is neutral and non-polar, with serine, which is neutral and polar, at codon 3230 of the BRCA2 protein (p.Leu3230Ser). This variant is not present in population databases (gnomAD no frequency). This missense change has been observed in individual(s) with clinical features of BRCA2-related conditions (PMID: 21520333). ClinVar contains an entry for this variant (Variation ID: 479381). Invitae Evidence Modeling of protein sequence and biophysical properties (such as structural, functional, and spatial information, amino acid conservation, physicochemical variation, residue mobility, and thermodynamic stability) indicates that this missense variant is not expected to disrupt BRCA2 protein function with a negative predictive value of 95%. In summary, the available evidence is currently insufficient to determine the role of this variant in disease. Therefore, it has been classified as a Variant of Uncertain Significance.

Ambry Genetics
Classification: Uncertain significance for Hereditary cancer-predisposing syndrome. Last evaluated: 2025-10-21. Review status: criteria provided, single submitter. Criteria: Ambry Variant Classification Scheme 2023. Collection method: clinical testing. Allele origin: germline.
Comment: The p.L3230S variant (also known as c.9689T>C), located in coding exon 26 of the BRCA2 gene, results from a T to C substitution at nucleotide position 9689. The leucine at codon 3230 is replaced by serine, an amino acid with dissimilar properties. This amino acid position is well conserved in available vertebrate species. In addition, this alteration is predicted to be tolerated by in silico analysis. Since supporting evidence is limited at this time, the clinical significance of this alteration remains unclear.

Quest Diagnostics Nichols Institute San Juan Capistrano
Classification: Uncertain significance. Last evaluated: 2025-07-31. Review status: criteria provided, single submitter. Criteria: Quest Diagnostics criteria. Collection method: clinical testing. Allele origin: unknown.
Comment: The BRCA2 c.9689T>C (p.Leu3230Ser) variant has been identified in an individual with breast cancer in a case-control study (PMID: 33471991 (2021), see LOVD). The frequency of this variant in the general population (Genome Aggregation Database) is uninformative in the assessment of its pathogenicity. Analysis of this variant using bioinformatics tools for the prediction of the effect of amino acid changes on protein structure and function yielded predictions that this variant is benign. Based on the available information, we are unable to determine the clinical significance of this variant.

All of Us Research Program, National Institutes of Health
Classification: Uncertain significance for Breast-ovarian cancer, familial, susceptibility to, 2. Last evaluated: 2023-03-23. Review status: criteria provided, single submitter. Criteria: ACMG Guidelines, 2015. Collection method: clinical testing. Allele origin: germline. Inheritance: Autosomal dominant inheritance. Observed: 1 variant allele, 1 heterozygote.
Comment: This missense variant replaces leucine with serine at codon 3230 of the BRCA2 protein. Computational prediction suggests that this variant may not impact protein structure and function (internally defined REVEL score threshold <= 0.5, PMID: 27666373). Splice site prediction tools suggest that this variant may not impact RNA splicing. To our knowledge, functional studies have not been performed for this variant. This variant has not been reported in individuals affected with hereditary cancer in the literature. This variant has not been identified in the general population by the Genome Aggregation Database (gnomAD). The available evidence is insufficient to determine the role of this variant in disease conclusively. Therefore, this variant is classified as a Variant of Uncertain Significance.

This study involves interpretation of variants in research participants for the purpose of population health screening. Participant phenotype was not available at the time of variant classification. Additional details can be found in publication PMID: 35346344, PMCID: PMC8962531

Color Diagnostics, LLC DBA Color Health
Classification: Uncertain significance for Hereditary cancer-predisposing syndrome. Last evaluated: 2023-03-02. Review status: criteria provided, single submitter. Criteria: ACMG Guidelines, 2015. Collection method: clinical testing. Allele origin: germline.
Comment: This missense variant replaces leucine with serine at codon 3230 of the BRCA2 protein. Computational prediction suggests that this variant may not impact protein structure and function (internally defined REVEL score threshold <= 0.5, PMID: 27666373). To our knowledge, functional studies have not been reported for this variant. This variant has been reported in an individual affected with breast cancer (PMID: 33471991; Leiden Open Variation Database DB-ID BRCA2_001515). This variant has not been identified in the general population by the Genome Aggregation Database (gnomAD). The available evidence is insufficient to determine the role of this variant in disease conclusively. Therefore, this variant is classified as a Variant of Uncertain Significance.

CeGaT Center for Human Genetics Tuebingen
Classification: Uncertain significance. Last evaluated: 2019-08-01. Review status: criteria provided, single submitter. Criteria: CeGaT Center For Human Genetics Tuebingen Variant Classification Criteria Version 2. Collection method: clinical testing. Allele origin: germline. Affected: yes. Observed: 1 variant allele.

Literature cited by the submitters: PubMed 21520333 (cited by Labcorp Genetics (formerly Invitae), Labcorp); PubMed 33471991 (cited by Quest Diagnostics Nichols Institute San Juan Capistrano and Color Diagnostics, LLC DBA Color Health).

NM_000059.4(BRCA2):c.9689T>C (p.Leu3230Ser)

Gene: BRCA2 (BRCA2 DNA repair associated; plus strand). Cytogenetic location: 13q13.1.
Variant type: single nucleotide variant.
Coding change: c.9689T>C on transcript NM_000059.4 (MANE Select); coding-DNA position 9689, T replaced by C.
Protein change: p.Leu3230Ser; replaces leucine 3230 with serine.
Molecular consequence: missense variant.
Genome position (GRCh38, 1-based): chr13:32,398,202, T>C. VCF-style: chr13-32398202-T-C. GRCh37 (hg19) VCF-style: chr13-32972339-T-C.
Other names: short protein forms L3230S.
Identifiers: ClinVar variation 479381 (VCV000479381.60), dbSNP rs1476814134, ClinGen allele CA387765300.
Genomic context (GRCh38, chr13:32,398,202, plus strand): 5'-CGTTTTCATTTTTTTATCAGATGTCTTCTCCTAATTGTGAGATATATTATCAAAGTCCTT[T>C]ATCACTTTGTATGGCCAAAAGGAAGTCTGTTTCCACACCTGTCTCAGCCCAGATGACTTC-3'
Protein context (NP_000050.3, residues 3220-3240): PNCEIYYQSP[Leu3230Ser]SLCMAKRKSV